The following is an entry in ClinVar:

ClinVar aggregate classification (germline): Pathogenic/Likely pathogenic. Review status: criteria provided, multiple submitters, no conflicts (2 of 4 stars). 4 submissions from 4 submitters: Pathogenic (3); Likely pathogenic (1). Last evaluated 2026-07-02.

Conditions:
Autosomal dominant polycystic kidney disease. Identifiers: Orphanet 730, MedGen C0085413, MONDO:0004691.
Polycystic kidney disease, adult type (PKD1). Also called: Polycystic Kidney, Autosomal Dominant; POLYCYSTIC KIDNEY DISEASE, ADULT, TYPE I; Polycystic Kidney Disease 1, Autosomal Dominant; Polycystic kidney disease 1; Polycystic kidney disease 1, severe; POLYCYSTIC KIDNEY DISEASE 1 WITH OR WITHOUT POLYCYSTIC LIVER DISEASE. Identifiers: MedGen C3149841, MONDO:0008263, OMIM 173900.

Submissions (4):

Women's Health and Genetics/Laboratory Corporation of America, LabCorp
Classification: Pathogenic for Polycystic kidney disease, adult type. Last evaluated: 2026-07-02. Review status: criteria provided, single submitter. Criteria: LabCorp Variant Classification Summary - May 2015. Collection method: clinical testing. Allele origin: germline.
Comment: Variant summary: PKD1 c.10441delG (p.Val3481SerfsX46) results in a premature termination codon, predicted to cause a truncation of the encoded protein or absence of the protein due to nonsense mediated decay, which are commonly known mechanisms for disease. The variant was absent in 179028 control chromosomes. c.10441delG has been observed in multiple individuals affected with Polycystic Kidney Disease 1 (example, Garca Rabaneda_2024). These data indicate that the variant is very likely to be associated with disease. To our knowledge, no experimental evidence demonstrating an impact on protein function has been reported. The following publication has been ascertained in the context of this evaluation (PMID: 38541974). ClinVar contains an entry for this variant (Variation ID: 917543). Based on the evidence outlined above, the variant was classified as pathogenic.

Department of Pathology and Laboratory Medicine, Sinai Health System
Classification: Pathogenic for autosomal dominant polycystic kidney disease. Last evaluated: 2024-11-06. Review status: criteria provided, single submitter. Criteria: ACMG Guidelines, 2015. Collection method: clinical testing. Allele origin: germline.

(GEEPAD) Grupo de Estudio de la Enfermedad Poliquística Autosómica Dominante, Hospitales Universitarios Virgen de las Nieves y San Cecilio (Granada)
Classification: Likely pathogenic for Polycystic kidney disease, adult type. Last evaluated: 2020-01-21. Review status: criteria provided, single submitter. Criteria: ACMG Guidelines, 2015. Collection method: clinical testing. Allele origin: germline. Inheritance: Autosomal dominant inheritance. Affected: yes. Observed: 5 variant alleles. Clinical features observed: Renal cyst (HP:0000107).
Comment: This variant has been identified in affected patients of two unrelated families.

Molecular Genetics of Inherited Kidney Disorders Laboratory, Garvan Institute of Medical Research
Classification: Pathogenic. Last evaluated: 2019-01-01. Review status: criteria provided, single submitter. Criteria: ACMG Guidelines, 2015. Collection method: clinical testing. Allele origin: germline. Affected: yes.

Literature cited by the submitters: PubMed 38541974 (cited by Women's Health and Genetics/Laboratory Corporation of America, LabCorp).

NM_001009944.3(PKD1):c.10441del (p.Val3481fs)

Gene: PKD1 (polycystin 1, transient receptor potential channel interacting; minus strand). Cytogenetic location: 16p13.3.
Variant type: Deletion.
Coding change: c.10441del on transcript NM_001009944.3 (MANE Select); coding-DNA position 10441, one base deleted (G; older notation c.10441delG).
Protein change: p.Val3481fs; shifts the reading frame from valine 3481.
Molecular consequence: frameshift variant.
Genome position (GRCh38, 1-based): chr16:2,097,206, C deleted on the plus strand (G on the coding strand, the reverse complement: PKD1 is on the minus strand); the first of 5 consecutive C bases (chr16:2,097,206-2,097,210); deleting any one gives the same sequence. VCF-style (leftmost placement, unchanged base first): chr16-2097205-AC-A. GRCh37 (hg19) VCF-style: chr16-2147206-AC-A.
Other names: c.10441del (NM_001009944.2); c.10441delG (NM_001009944.3); c.10438del, p.Val3480fs (NM_000296.4); short protein forms V3481fs, V3480fs.
Identifiers: ClinVar variation 917543 (VCV000917543.5), dbSNP rs2091884240, ClinGen allele CA915940713.
Genomic context (GRCh38, chr16:2,097,205, plus strand): 5'-CACAGGCTGCTGAGCAGGTCCGTTTCCATGTGGGTGTCTTGGGTAGGGGCTGGGCTGCTG[AC>A]CCCCTCGGCAAGGACCTGCTGGATCAGGTCTTCATCTAGAGGTACAGGAGGCATAGGGTG-3'